The following is an entry in ClinVar:

NM_000069.3(CACNA1S):c.4214T>C (p.Ile1405Thr)

Gene: CACNA1S (calcium voltage-gated channel subunit alpha1 S; minus strand). Cytogenetic location: 1q32.1.
Variant type: single nucleotide variant.
Coding change: c.4214T>C on transcript NM_000069.3 (MANE Select); coding-DNA position 4214, T replaced by C.
Protein change: p.Ile1405Thr; replaces isoleucine 1405 with threonine.
Molecular consequence: missense variant.
Genome position (GRCh38, 1-based): chr1:201,050,416, A>G on the plus strand (T>C on the coding strand, the complement: CACNA1S is on the minus strand). VCF-style: chr1-201050416-A-G. GRCh37 (hg19) VCF-style: chr1-201019544-A-G.
Other names: short protein forms I1405T.
Identifiers: ClinVar variation 3074015 (VCV003074015.1), dbSNP rs2464443668, ClinGen allele CA344147866.

ClinVar aggregate classification (germline): Uncertain significance (1 of 4 stars; one submission).

Conditions:
Malignant hyperthermia, susceptibility to, 5 (MHS5). Also called: CACNA1S-Related Malignant Hyperthermia Susceptibility. Identifiers: Orphanet 423, MedGen C1866077, MONDO:0011163, OMIM 601887.

Submission:

All of Us Research Program, National Institutes of Health
Classification: Uncertain significance for Malignant hyperthermia, susceptibility to, 5. Last evaluated: 2023-11-30. Review status: criteria provided, single submitter. Criteria: ACMG Guidelines, 2015. Collection method: clinical testing. Allele origin: germline. Inheritance: Autosomal dominant inheritance. Observed: 1 variant allele, 1 heterozygote.
Comment: This study involves interpretation of variants in research participants for the purpose of population health screening. Participant phenotype was not available at the time of variant classification. Additional details can be found in publication PMID: 35346344, PMCID: PMC8962531